The following is an entry in ClinVar:

ClinVar aggregate classification (germline): Uncertain significance (1 of 4 stars; one submission).

Conditions:
Catecholaminergic polymorphic ventricular tachycardia 1. Also called: VENTRICULAR TACHYCARDIA, CATECHOLAMINERGIC POLYMORPHIC, 1, WITH OR WITHOUT ATRIAL DYSFUNCTION AND/OR DILATED CARDIOMYOPATHY; RYR2-Related Catecholaminergic Polymorphic Ventricular Tachycardia; VENTRICULAR TACHYCARDIA, STRESS-INDUCED POLYMORPHIC 1. Identifiers: Orphanet 3286, MedGen C1631597, MONDO:0011484, OMIM 604772.

Submission:

Labcorp Genetics (formerly Invitae), Labcorp
Classification: Uncertain significance for Catecholaminergic polymorphic ventricular tachycardia 1. Last evaluated: 2024-09-26. Review status: criteria provided, single submitter. Criteria: Invitae Variant Classification Sherloc (09022015). Collection method: clinical testing. Allele origin: germline.
Comment: This sequence change replaces alanine, which is neutral and non-polar, with glycine, which is neutral and non-polar, at codon 2245 of the RYR2 protein (p.Ala2245Gly). This variant is not present in population databases (gnomAD no frequency). This variant has not been reported in the literature in individuals affected with RYR2-related conditions. Invitae Evidence Modeling of protein sequence and biophysical properties (such as structural, functional, and spatial information, amino acid conservation, physicochemical variation, residue mobility, and thermodynamic stability) indicates that this missense variant is expected to disrupt RYR2 protein function with a positive predictive value of 95%. In summary, the available evidence is currently insufficient to determine the role of this variant in disease. Therefore, it has been classified as a Variant of Uncertain Significance.

NM_001035.3(RYR2):c.6734C>G (p.Ala2245Gly)

Gene: RYR2 (ryanodine receptor 2; plus strand). Cytogenetic location: 1q43.
Variant type: single nucleotide variant.
Coding change: c.6734C>G on transcript NM_001035.3 (MANE Select); coding-DNA position 6734, C replaced by G.
Protein change: p.Ala2245Gly; replaces alanine 2245 with glycine.
Molecular consequence: missense variant.
Genome position (GRCh38, 1-based): chr1:237,634,934, C>G. VCF-style: chr1-237634934-C-G. GRCh37 (hg19) VCF-style: chr1-237798234-C-G.
Other names: short protein forms A2245G.
Identifiers: ClinVar variation 3633804 (VCV003633804.2).
Genomic context (GRCh38, chr1:237,634,934, plus strand): 5'-CATTTGAATTAATAGCCTCCCCAGCTATGAGAGGTTCAACACCACTGGATGTGGCTGCAG[C>G]TTCGGTGATGGATAATAATGAACTAGCATTAGCTCTGCGTGAGCCGGATCTAGAAAAGGT-3'
Protein context (NP_001026.2, residues 2235-2255): RGSTPLDVAA[Ala2245Gly]SVMDNNELAL